The following is an entry in ClinVar:

ClinVar aggregate classification (germline): Uncertain significance (1 of 4 stars; one submission).

Allele frequency attached by ClinVar (database versions not stated): gnomAD exomes below 0.00001.
gnomAD v4.1: 1 of 1,614,004 alleles (0.000062%); highest among the groups gnomAD compares: South Asian, 0.0011%; no homozygotes.

Submission:

Labcorp Genetics (formerly Invitae), Labcorp
Classification: Uncertain significance. Last evaluated: 2023-08-10. Review status: criteria provided, single submitter. Criteria: Invitae Variant Classification Sherloc (09022015). Collection method: clinical testing. Allele origin: germline.
Comment: In summary, the available evidence is currently insufficient to determine the role of this variant in disease. Therefore, it has been classified as a Variant of Uncertain Significance. Algorithms developed to predict the effect of sequence changes on RNA splicing suggest that this variant may create or strengthen a splice site. Advanced modeling of protein sequence and biophysical properties (such as structural, functional, and spatial information, amino acid conservation, physicochemical variation, residue mobility, and thermodynamic stability) performed at Invitae indicates that this missense variant is not expected to disrupt MLC1 protein function. ClinVar contains an entry for this variant (Variation ID: 2049219). This variant has not been reported in the literature in individuals affected with MLC1-related conditions. This variant is not present in population databases (gnomAD no frequency). This sequence change replaces cysteine, which is neutral and slightly polar, with serine, which is neutral and polar, at codon 61 of the MLC1 protein (p.Cys61Ser).

NM_015166.4(MLC1):c.181T>A (p.Cys61Ser)

Genes: MLC1 (modulator of VRAC current 1; minus strand), LOC125446261 (Sharpr-MPRA regulatory region 9327; plus strand). Cytogenetic location: 22q13.33.
Variant type: single nucleotide variant.
Coding change: c.181T>A on transcript NM_015166.4 (MANE Select); coding-DNA position 181, T replaced by A.
Protein change: p.Cys61Ser; replaces cysteine 61 with serine.
Molecular consequence: missense variant. On other transcripts: 5 prime UTR variant (1), non-coding transcript variant (3), intron variant (1).
Genome position (GRCh38, 1-based): chr22:50,083,170, A>T on the plus strand (T>A on the coding strand, the complement: MLC1 is on the minus strand). VCF-style: chr22-50083170-A-T. GRCh37 (hg19) VCF-style: chr22-50521599-A-T.
Other names: c.181T>A, p.Cys61Ser (NM_001376472.1, NM_001376473.1, NM_001376474.1 and 9 more transcripts); c.-57T>A (NM_001376484.1); c.177+1556T>A (NM_001376480.1); short protein forms C61S.
Identifiers: ClinVar variation 2049219 (VCV002049219.4), dbSNP rs2518359057, ClinGen allele CA412111703.